The following is an entry in ClinVar:

ClinVar aggregate classification (germline): Uncertain significance (1 of 4 stars; one submission).

Conditions:
Early-infantile DEE. Also called: Early infantile epileptic encephalopathy; Early infantile epileptic encephalopathy with suppression bursts; Ohtahara syndrome. Identifiers: Orphanet 1934, MedGen C0393706, MONDO:0800491.

Submission:

Labcorp Genetics (formerly Invitae), Labcorp
Classification: Uncertain significance for Early-infantile DEE. Last evaluated: 2019-05-07. Review status: criteria provided, single submitter. Criteria: Invitae Variant Classification Sherloc (09022015). Collection method: clinical testing. Allele origin: germline.
Comment: This variant is not present in population databases (ExAC no frequency). In summary, the available evidence is currently insufficient to determine the role of this variant in disease. Therefore, it has been classified as a Variant of Uncertain Significance. Algorithms developed to predict the effect of missense changes on protein structure and function are either unavailable or do not agree on the potential impact of this missense change (SIFT: "Deleterious"; PolyPhen-2: "Probably Damaging"; Align-GVGD: "Class C0"). This variant has not been reported in the literature in individuals with SCN8A-related disease. This sequence change replaces phenylalanine with leucine at codon 17 of the SCN8A protein (p.Phe17Leu). The phenylalanine residue is moderately conserved and there is a small physicochemical difference between phenylalanine and leucine.

NM_001330260.2(SCN8A):c.51C>G (p.Phe17Leu)

Genes: SCN8A (sodium voltage-gated channel alpha subunit 8; plus strand), LOC114803470 (SCN8A eExon liver enhancer; plus strand). Cytogenetic location: 12q13.13.
Variant type: single nucleotide variant.
Coding change: c.51C>G on transcript NM_001330260.2 (MANE Select); coding-DNA position 51, C replaced by G.
Protein change: p.Phe17Leu; replaces phenylalanine 17 with leucine.
Molecular consequence: missense variant.
Genome position (GRCh38, 1-based): chr12:51,662,868, C>G. VCF-style: chr12-51662868-C-G. GRCh37 (hg19) VCF-style: chr12-52056652-C-G.
Other names: c.51C>G, p.Phe17Leu (NM_001177984.3, NM_001369788.1, NM_014191.4); short protein forms F17L.
Identifiers: ClinVar variation 641963 (VCV000641963.11), dbSNP rs1592363287, ClinGen allele CA385227505.
Genomic context (GRCh38, chr12:51,662,868, plus strand): 5'-GGATGAGAAGATGGCAGCGCGGCTGCTTGCACCACCAGGCCCTGATAGTTTCAAGCCTTT[C>G]ACCCCTGAGTCACTGGCAAACATTGAGAGGCGCATTGCTGAGAGCAAGCTCAAGAAACCA-3'
Protein context (NP_001317189.1, residues 7-27): APPGPDSFKP[Phe17Leu]TPESLANIER